The following is an entry in ClinVar:

ClinVar aggregate classification (germline): Uncertain significance. Review status: criteria provided, multiple submitters, no conflicts (2 of 4 stars). 3 submissions from 3 submitters: Uncertain significance (3). Last evaluated 2024-11-30.

Conditions:
Inborn genetic diseases. Identifiers: MedGen C0950123, MeSH D030342.
Fanconi anemia (FA). Also called: Fanconi's anemia. Identifiers: Orphanet 84, MedGen C0015625, MeSH D005199, MONDO:0019391.
Fanconi anemia complementation group A (FANCA). Also called: Fanconi anemia, group A; FANCA-Related Fanconi Anemia. Identifiers: Orphanet 84, MedGen C3469521, MONDO:0009215, OMIM 227650.

Allele frequency attached by ClinVar (database versions not stated): TOPMed 0.00001.

Submissions (3):

Ambry Genetics
Classification: Uncertain significance for Inborn genetic diseases. Last evaluated: 2024-11-30. Review status: criteria provided, single submitter. Criteria: Ambry Variant Classification Scheme 2023. Collection method: clinical testing. Allele origin: germline.
Comment: The p.S120R variant (also known as c.360C>A), located in coding exon 4 of the FANCA gene, results from a C to A substitution at nucleotide position 360. The serine at codon 120 is replaced by arginine, an amino acid with dissimilar properties. This amino acid position is conserved. In addition, this alteration is predicted to be tolerated by in silico analysis. Based on the available evidence, the clinical significance of this variant remains unclear.

Fulgent Genetics
Classification: Uncertain significance for Fanconi anemia complementation group A. Last evaluated: 2024-06-20. Review status: criteria provided, single submitter. Criteria: ACMG Guidelines, 2015. Collection method: clinical testing. Allele origin: germline.

Labcorp Genetics (formerly Invitae), Labcorp
Classification: Uncertain significance for Fanconi anemia. Last evaluated: 2024-01-25. Review status: criteria provided, single submitter. Criteria: Invitae Variant Classification Sherloc (09022015). Collection method: clinical testing. Allele origin: germline.
Comment: This sequence change replaces serine, which is neutral and polar, with arginine, which is basic and polar, at codon 120 of the FANCA protein (p.Ser120Arg). This variant is not present in population databases (gnomAD no frequency). This variant has not been reported in the literature in individuals affected with FANCA-related conditions. ClinVar contains an entry for this variant (Variation ID: 1053297). Advanced modeling of protein sequence and biophysical properties (such as structural, functional, and spatial information, amino acid conservation, physicochemical variation, residue mobility, and thermodynamic stability) performed at Invitae indicates that this missense variant is not expected to disrupt FANCA protein function with a negative predictive value of 80%. In summary, the available evidence is currently insufficient to determine the role of this variant in disease. Therefore, it has been classified as a Variant of Uncertain Significance.

NM_000135.4(FANCA):c.360C>A (p.Ser120Arg)

Gene: FANCA (FA complementation group A; minus strand). Cytogenetic location: 16q24.3.
Variant type: single nucleotide variant.
Coding change: c.360C>A on transcript NM_000135.4 (MANE Select); coding-DNA position 360, C replaced by A.
Protein change: p.Ser120Arg; replaces serine 120 with arginine.
Molecular consequence: missense variant.
Genome position (GRCh38, 1-based): chr16:89,810,995, G>T on the plus strand (C>A on the coding strand, the complement: FANCA is on the minus strand). VCF-style: chr16-89810995-G-T. GRCh37 (hg19) VCF-style: chr16-89877403-G-T.
Other names: c.360C>A, p.Ser120Arg (NM_001018112.3, NM_001286167.3, NM_001351830.2); c.360C>A (NM_000135.2); short protein forms S120R.
Identifiers: ClinVar variation 1053297 (VCV001053297.12), dbSNP rs968636087, ClinGen allele CA286608257.